The following is an entry in ClinVar:

ClinVar aggregate classification (germline): Benign (0 of 4 stars; one submission).

Conditions:
ERAL1-related disorder. Also called: ERAL1-related condition.

Allele frequency attached by ClinVar (database versions not stated): gnomAD exomes 0.00038; ExAC 0.00125; 1000 Genomes Project 30x 0.00265; 1000 Genomes Project 0.00280; gnomAD 0.00394; TOPMed 0.00451; ESP Exome Variant Server 0.00454.
gnomAD v4.1: 1,165 of 1,614,166 alleles (0.072%); highest among the groups gnomAD compares: African/African-American, 1.3%; 6 homozygotes.

Submission:

PreventionGenetics, part of Exact Sciences
Classification: Benign for ERAL1-related condition. Last evaluated: 2020-12-14. Review status: no assertion criteria provided. Collection method: clinical testing. Allele origin: germline.
Comment: This variant is classified as benign based on ACMG/AMP sequence variant interpretation guidelines (Richards et al. 2015 PMID: 25741868, with internal and published modifications).

NM_005702.4(ERAL1):c.723G>A (p.Leu241=)

Genes: ERAL1 (Era like 12S mitochondrial rRNA chaperone 1; plus strand), LOC126862526 (BRD4-independent group 4 enhancer GRCh37_chr17:27185111-27186310; plus strand). Cytogenetic location: 17q11.2.
Variant type: single nucleotide variant.
Coding change: c.723G>A on transcript NM_005702.4 (MANE Select); coding-DNA position 723, G replaced by A.
Protein change: p.Leu241=; no amino-acid change (leucine 241 retained).
Molecular consequence: synonymous variant. On other transcripts: non-coding transcript variant (1), intron variant (1).
Genome position (GRCh38, 1-based): chr17:28,858,587, G>A. VCF-style: chr17-28858587-G-A. GRCh37 (hg19) VCF-style: chr17-27185605-G-A.
Other names: c.720G>A, p.Leu240= (NM_001317985.2); c.711+101G>A (NM_001317986.2).
Identifiers: ClinVar variation 3052631 (VCV003052631.2), dbSNP rs114192384, ClinGen allele CA8468697.
Genomic context (GRCh38, chr17:28,858,587, plus strand): 5'-AAGTCCCCTATCTCTGACCACACACCCTTTGCCCATCCCCCATGTCCAGGTAGATTGTTT[G>A]AAGCAGAAGTCAGTTCTCCTGGAGCTCACGGCAGCCCTCACTGAAGGTGTGGTCAATGGC-3'
Protein context (NP_005693.1, residues 231-251): SVLVMNKVDC[Leu241=]KQKSVLLELT